The following is an entry in ClinVar:

ClinVar aggregate classification (germline): Pathogenic (1 of 4 stars; one submission).

Submission:

Labcorp Genetics (formerly Invitae), Labcorp
Classification: Pathogenic. Last evaluated: 2024-05-01. Review status: criteria provided, single submitter. Criteria: Invitae Variant Classification Sherloc (09022015). Collection method: clinical testing. Allele origin: germline.
Comment: This sequence change creates a premature translational stop signal (p.Gln1139*) in the COL2A1 gene. It is expected to result in an absent or disrupted protein product. Loss-of-function variants in COL2A1 are known to be pathogenic (PMID: 20179744). This variant is not present in population databases (gnomAD no frequency). This variant has not been reported in the literature in individuals affected with COL2A1-related conditions. Algorithms developed to predict the effect of sequence changes on RNA splicing suggest that this variant may disrupt the consensus splice site. For these reasons, this variant has been classified as Pathogenic.

Literature cited by the submitters: PubMed 20179744.

NM_001844.5(COL2A1):c.3415C>T (p.Gln1139Ter)

Gene: COL2A1 (collagen type II alpha 1 chain; minus strand). Cytogenetic location: 12q13.11.
Variant type: single nucleotide variant.
Coding change: c.3415C>T on transcript NM_001844.5 (MANE Select); coding-DNA position 3415, C replaced by T.
Protein change: p.Gln1139Ter; replaces glutamine 1139 with a stop codon.
Molecular consequence: nonsense.
Genome position (GRCh38, 1-based): chr12:47,976,832, G>A on the plus strand (C>T on the coding strand, the complement: COL2A1 is on the minus strand). VCF-style: chr12-47976832-G-A. GRCh37 (hg19) VCF-style: chr12-48370615-G-A.
Other names: c.3208C>T, p.Gln1070Ter (NM_033150.3); short protein forms Q1139*, Q1070*.
Identifiers: ClinVar variation 3651294 (VCV003651294.2).
Genomic context (GRCh38, chr12:47,976,832, plus strand): 5'-AGGAGGCCTCGGGAAGTCCCACGCAGGCAGTGACACTCACAGGAGGGCCGGGCAGACCCT[G>A]CAGACCAGTGAAGCCACGGTGTCCCTTCAGGCCTCTCTCGCCAGGCTCTCCAGCCTCTCC-3'